The following is an entry in ClinVar:

ClinVar aggregate classification (germline): Pathogenic (1 of 4 stars; one submission).

Conditions:
Deficiency of malonyl-CoA decarboxylase. Also called: Malonic aciduria; MCD deficiency. Identifiers: Orphanet 943, MedGen C0342793, MONDO:0009556, OMIM 248360.

Submission:

Juno Genomics, Hangzhou Juno Genomics, Inc
Classification: Pathogenic for Deficiency of malonyl-CoA decarboxylase. Review status: criteria provided, single submitter. Criteria: ACMG Guidelines, 2015. Collection method: clinical testing. Allele origin: germline.
Comment: Absent from controls (or at extremely low frequency if recessive) in Genome Aggregation Database.;Null variant in a gene where loss of function (LOF) is a known mechanism of disease.;For recessive disorders, detected in trans with a pathogenic variant.;Patient's phenotype or family history is highly specific for a disease with a single genetic etiology.

NM_012213.3(MLYCD):c.672del (p.Asn223_Trp224insTer)

Gene: MLYCD (malonyl-CoA decarboxylase; plus strand). Cytogenetic location: 16q23.3.
Variant type: Deletion.
Coding change: c.672del on transcript NM_012213.3 (MANE Select); coding-DNA position 672, one base deleted (G; older notation c.672delG).
Protein change: p.Asn223_Trp224insTer.
Molecular consequence: nonsense.
Genome position (GRCh38, 1-based): chr16:83,908,156, G deleted; the last of 2 consecutive G bases (chr16:83,908,155-83,908,156); deleting either gives the same sequence. VCF-style (leftmost placement, unchanged base first): chr16-83908154-TG-T. GRCh37 (hg19) VCF-style: chr16-83941759-TG-T.
Identifiers: ClinVar variation 5005645 (VCV005005645.2).
Genomic context (GRCh38, chr16:83,908,154, plus strand): 5'-TTTGTCTTGTCTCTTTATAAATTCCGCCCCAGGGCTGAGGCTGTGCATCCTGTAAAAAAC[TG>T]GATGGACATGAAGCGCCGCGTTGGGCCCTACAGAAGGTGTTACTTCTTTTCTCACTGTTC-3'